The following is an entry in ClinVar:

NM_005424.5(TIE1):c.1342G>A (p.Val448Met)

Gene: TIE1 (tyrosine kinase with immunoglobulin like and EGF like domains 1; plus strand). Cytogenetic location: 1p34.2.
Variant type: single nucleotide variant.
Coding change: c.1342G>A on transcript NM_005424.5 (MANE Select); coding-DNA position 1342, G replaced by A.
Protein change: p.Val448Met; replaces valine 448 with methionine.
Molecular consequence: missense variant.
Genome position (GRCh38, 1-based): chr1:43,311,679, G>A. VCF-style: chr1-43311679-G-A. GRCh37 (hg19) VCF-style: chr1-43777350-G-A.
Other names: c.1207G>A, p.Val403Met (NM_001253357.2); short protein forms V403M, V448M.
Identifiers: ClinVar variation 3177409 (VCV003177409.2), dbSNP rs56302794, ClinGen allele CA805834.

ClinVar aggregate classification (germline): Conflicting classifications of pathogenicity. Review status: criteria provided, conflicting classifications (1 of 4 stars). 2 submissions from 2 submitters: Uncertain significance (1); Benign (1). Last evaluated 2026-07-01.

Allele frequency attached by ClinVar (database versions not stated): 1000 Genomes Project 30x 0.00031; 1000 Genomes Project 0.00040; gnomAD 0.00054; TOPMed 0.00060; gnomAD exomes 0.00073; ExAC 0.00074; ESP Exome Variant Server 0.00077.
gnomAD v4.1: 1,172 of 1,612,584 alleles (0.073%); highest among the groups gnomAD compares: Middle Eastern, 0.24%; 5 homozygotes.

Submissions (2):

CeGaT Center for Human Genetics Tuebingen
Classification: Benign. Last evaluated: 2026-07-01. Review status: criteria provided, single submitter. Criteria: CeGaT Center For Human Genetics Tuebingen Variant Classification Criteria Version 2. Collection method: clinical testing. Allele origin: germline. Affected: yes. Observed: 1 variant allele.
Comment: TIE1: BP4, BS1, BS2

Ambry Genetics
Classification: Uncertain significance. Last evaluated: 2021-10-22. Review status: criteria provided, single submitter. Criteria: Ambry Variant Classification Scheme 2023. Collection method: clinical testing. Allele origin: germline.